The following is an entry in ClinVar:

ClinVar aggregate classification (germline): Uncertain significance (1 of 4 stars; one submission).

Submission:

Laboratorio de Genetica e Diagnostico Molecular, Hospital Israelita Albert Einstein
Classification: Uncertain significance. Last evaluated: 2020-09-04. Review status: criteria provided, single submitter. Criteria: ACMG Guidelines, 2015. Collection method: clinical testing. Allele origin: germline. Affected: yes.
Comment: ACMG classification criteria: PM2, BP4

NM_002609.4(PDGFRB):c.269T>A (p.Leu90His)

Gene: PDGFRB (platelet derived growth factor receptor beta; minus strand). Cytogenetic location: 5q32.
Variant type: single nucleotide variant.
Coding change: c.269T>A on transcript NM_002609.4 (MANE Select); coding-DNA position 269, T replaced by A.
Protein change: p.Leu90His; replaces leucine 90 with histidine.
Molecular consequence: missense variant. On other transcripts: 5 prime UTR variant (1).
Genome position (GRCh38, 1-based): chr5:150,135,650, A>T on the plus strand (T>A on the coding strand, the complement: PDGFRB is on the minus strand). VCF-style: chr5-150135650-A-T. GRCh37 (hg19) VCF-style: chr5-149515213-A-T.
Other names: c.77T>A, p.Leu26His (NM_001355016.2); c.-249T>A (NM_001355017.2); short protein forms L26H, L90H.
Identifiers: ClinVar variation 1690933 (VCV001690933.2), dbSNP rs1373590584, ClinGen allele CA361728089.